The following is an entry in ClinVar:

ClinVar aggregate classification (germline): Likely pathogenic. Review status: criteria provided, multiple submitters, no conflicts (2 of 4 stars). 3 submissions from 3 submitters: Likely pathogenic (3). Last evaluated 2026-04-03.

Conditions:
Hereditary cancer-predisposing syndrome. Also called: Neoplastic Syndromes, Hereditary; Hereditary neoplastic syndrome; Tumor predisposition; Hereditary Cancer Syndrome. Identifiers: Orphanet 140162, MedGen C0027672, MeSH D009386, MONDO:0015356.
Ataxia-telangiectasia syndrome (AT). Also called: Ataxia telangiectasia (A-T); Cerebello-oculocutaneous telangiectasia; Immunodeficiency with ataxia telangiectasia; LOUIS-BAR SYNDROME; AT, COMPLEMENTATION GROUP C; ATAXIA-TELANGIECTASIA, FRESNO VARIANT. Identifiers: Orphanet 100, MedGen C0004135, MONDO:0008840, OMIM 208900.

Submissions (3):

Ambry Genetics
Classification: Likely pathogenic for Hereditary cancer-predisposing syndrome. Last evaluated: 2026-04-03. Review status: criteria provided, single submitter. Criteria: Ambry Variant Classification Scheme 2023. Collection method: clinical testing. Allele origin: germline.
Comment: The c.8851-2A>G intronic variant results from an A to G substitution two nucleotides upstream from coding exon 61 in the ATM gene. This nucleotide position is highly conserved in available vertebrate species. In silico splice site analysis predicts that this alteration will weaken the native splice acceptor site. RNA studies have demonstrated that this alteration results in abnormal splicing in the set of samples tested (Ambry internal data). This variant is considered to be rare based on population cohorts in the Genome Aggregation Database (gnomAD). Based on the majority of available evidence to date, this variant is likely to be pathogenic.

Labcorp Genetics (formerly Invitae), Labcorp
Classification: Likely pathogenic for Ataxia-telangiectasia syndrome. Last evaluated: 2025-12-24. Review status: criteria provided, single submitter. Criteria: Invitae Variant Classification Sherloc (09022015). Collection method: clinical testing. Allele origin: germline.
Comment: This sequence change affects an acceptor splice site in intron 61 of the ATM gene. It is expected to disrupt RNA splicing. Variants that disrupt the donor or acceptor splice site typically lead to a loss of protein function (PMID: 16199547), and loss-of-function variants in ATM are known to be pathogenic (PMID: 23807571, 25614872). This variant is not present in population databases (gnomAD no frequency). This variant has not been reported in the literature in individuals affected with ATM-related conditions. ClinVar contains an entry for this variant (Variation ID: 265587). Algorithms developed to predict the effect of sequence changes on RNA splicing suggest that this variant may disrupt the consensus splice site. In summary, the currently available evidence indicates that the variant is pathogenic, but additional data are needed to prove that conclusively. Therefore, this variant has been classified as Likely Pathogenic.

GeneDx
Classification: Likely pathogenic. Last evaluated: 2016-06-02. Review status: criteria provided, single submitter. Criteria: GeneDx Variant Classification (06012015). Collection method: clinical testing. Allele origin: germline. Affected: yes.
Comment: This variant is denoted ATM c.8851-2A>G or IVS61-2A>G and consists of a A>G nucleotide substitution at the -2 position of intron 61 of the ATM gene. This variant is predicted to result in abnormal splicing by destroying a canonical splice acceptor site in intron 61 of the ATM gene. This splicing defect results in a frameshift, likely leading to either an abnormal message that is subject to nonsense-mediated mRNA decay or to an abnormal protein product, resulting in the loss of functional domains. This variant has not, to our knowledge, been published in the literature. Based on the currently available information, we consider ATM c.8851-2A>G to be a likely pathogenic variant.

Literature cited by the submitters: PubMed 16199547 (cited by Labcorp Genetics (formerly Invitae), Labcorp); PubMed 23807571 (cited by Labcorp Genetics (formerly Invitae), Labcorp); PubMed 25614872 (cited by Labcorp Genetics (formerly Invitae), Labcorp).

NM_000051.4(ATM):c.8851-2A>G

Genes: ATM (ATM serine/threonine kinase; plus strand), C11orf65 (chromosome 11 open reading frame 65; minus strand). Cytogenetic location: 11q22.3.
Variant type: single nucleotide variant.
Coding change: c.8851-2A>G on transcript NM_000051.4 (MANE Select); the canonical splice acceptor site of the intron before coding-DNA position 8851, A replaced by G.
Molecular consequence: splice acceptor variant. On other transcripts: intron variant (2).
Genome position (GRCh38, 1-based): chr11:108,365,080, A>G. VCF-style: chr11-108365080-A-G. GRCh37 (hg19) VCF-style: chr11-108235807-A-G.
Other names: c.8851-2A>G (NM_001351834.2); c.640+20840T>C (NM_001330368.2); c.694+20840T>C (NM_001351110.2).
Identifiers: ClinVar variation 265587 (VCV000265587.12), dbSNP rs886039647, ClinGen allele CA10588513.